The following is an entry in ClinVar:

NM_021072.4(HCN1):c.1585del (p.Glu529fs)

Gene: HCN1 (hyperpolarization activated cyclic nucleotide gated potassium channel 1; minus strand). Cytogenetic location: 5p12.
Variant type: Deletion.
Coding change: c.1585del on transcript NM_021072.4 (MANE Select); coding-DNA position 1585, one base deleted (G; older notation c.1585delG).
Protein change: p.Glu529fs; shifts the reading frame from glutamic acid 529.
Molecular consequence: frameshift variant.
Genome position (GRCh38, 1-based): chr5:45,303,632, C deleted on the plus strand (G on the coding strand, the reverse complement: HCN1 is on the minus strand). VCF-style (leftmost placement, unchanged base first): chr5-45303631-TC-T. GRCh37 (hg19) VCF-style: chr5-45303733-TC-T.
Other names: short protein forms E529fs.
Identifiers: ClinVar variation 4686224 (VCV004686224.1).

ClinVar aggregate classification (germline): Uncertain significance (1 of 4 stars; one submission).

Submission:

GeneDx
Classification: Uncertain significance. Last evaluated: 2025-07-15. Review status: criteria provided, single submitter. Criteria: GeneDx Variant Classification Process June 2021. Collection method: clinical testing. Allele origin: germline. Affected: yes.
Comment: Not observed at significant frequency in large population cohorts (gnomAD); Frameshift variant predicted to result in protein truncation or nonsense mediated decay in a gene or region of a gene for which loss of function is not a well-established mechanism of disease; Has not been previously published as pathogenic or benign to our knowledge